The following is an entry in ClinVar:

ClinVar aggregate classification (germline): Uncertain significance (1 of 4 stars; one submission).

Conditions:
Autoimmune enteropathy and endocrinopathy - susceptibility to chronic infections syndrome. Also called: Immunodeficiency 31C, autosomal dominant; Immunodeficiency 31C. Identifiers: Orphanet 391487, MedGen C3279990, MONDO:0013599, OMIM 614162.
Mendelian susceptibility to mycobacterial diseases due to partial STAT1 deficiency. Also called: IMMUNODEFICIENCY 31A, MYCOBACTERIOSIS, AUTOSOMAL DOMINANT; STAT1 DEFICIENCY, AUTOSOMAL DOMINANT; Immunodeficiency 31a. Identifiers: Orphanet 319595, MedGen C4013950, MONDO:0013956, OMIM 614892.
Immunodeficiency 31B. Also called: STAT1 DEFICIENCY, AUTOSOMAL RECESSIVE; IMMUNODEFICIENCY 31B, MYCOBACTERIAL AND VIRAL INFECTIONS, AUTOSOMAL RECESSIVE. Identifiers: Orphanet 391311, MedGen C3151088, MONDO:0013427, OMIM 613796.

Submission:

Labcorp Genetics (formerly Invitae), Labcorp
Classification: Uncertain significance for Mendelian susceptibility to mycobacterial diseases due to partial STAT1 deficiency; Immunodeficiency 31B; Autoimmune enteropathy and endocrinopathy - susceptibility to chronic infections syndrome. Last evaluated: 2018-09-26. Review status: criteria provided, single submitter. Criteria: Invitae Variant Classification Sherloc (09022015). Collection method: clinical testing. Allele origin: germline.
Comment: Algorithms developed to predict the effect of sequence changes on RNA splicing suggest that this variant may disrupt the consensus splice site, but this prediction has not been confirmed by published transcriptional studies. This variant has not been reported in the literature in individuals with STAT1-related disease. This variant is not present in population databases (ExAC no frequency). This sequence change falls in intron 10 of the STAT1 gene. It does not directly change the encoded amino acid sequence of the STAT1 protein. In summary, the available evidence is currently insufficient to determine the role of this variant in disease. Therefore, it has been classified as a Variant of Uncertain Significance.

NM_007315.4(STAT1):c.945-5T>G

Gene: STAT1 (signal transducer and activator of transcription 1; minus strand). Cytogenetic location: 2q32.2.
Variant type: single nucleotide variant.
Coding change: c.945-5T>G on transcript NM_007315.4 (MANE Select); 5 bases into the intron before coding-DNA position 945, T replaced by G.
Molecular consequence: intron variant.
Genome position (GRCh38, 1-based): chr2:190,991,325, A>C on the plus strand (T>G on the coding strand, the complement: STAT1 is on the minus strand). VCF-style: chr2-190991325-A-C. GRCh37 (hg19) VCF-style: chr2-191856051-A-C.
Other names: c.855-5T>G (NM_001384890.1); c.846-5T>G (NM_001384883.1); c.786-5T>G (NM_001384885.1); c.945-1651T>G (NM_001384887.1); c.945-5T>G (NM_001384880.1, NM_001384888.1, NM_001384882.1 and 3 more transcripts); c.981-5T>G (NM_001384891.1); c.951-5T>G (NM_001384884.1, NM_001384881.1).
Identifiers: ClinVar variation 661527 (VCV000661527.8), dbSNP rs1574653475, ClinGen allele CA915942336.
Genomic context (GRCh38, chr2:190,991,325, plus strand): 5'-CCAGCGGCCTCTGAGGGTGCGTTGGCATGCAGGGCTGTCTTTCCACCACAAACGAGCTGC[A>C]AATACCCAGCAAAGGATAGATAAGTTAGCATTTCCATTAAGGTTGAGGCAATCACAATGA-3'